The following is an entry in ClinVar:

ClinVar aggregate classification (germline): Likely benign. Review status: criteria provided, multiple submitters, no conflicts (2 of 4 stars). 2 submissions from 2 submitters: Likely benign (2). Last evaluated 2026-06-29.

Conditions:
FUS-related disorder. Also called: FUS-related condition.
Amyotrophic lateral sclerosis type 6. Also called: FUS-Related Amyotrophic Laterial Sclerosis; AMYOTROPHIC LATERAL SCLEROSIS 6 WITHOUT FRONTOTEMPORAL DEMENTIA; Amyotrophic lateral sclerosis 6, with or without frontotemporal dementia. Identifiers: Orphanet 275872, Orphanet 803, MedGen C2931786, MONDO:0011951, OMIM 608030.
Tremor, hereditary essential, 4 (ETM4). Identifiers: MedGen C3539195, MONDO:0013888, OMIM 614782.

gnomAD v4.1: 17 of 1,614,000 alleles (0.0011%); highest among the groups gnomAD compares: African/African-American, 0.021%; no homozygotes.

Submissions (2):

PreventionGenetics, part of Exact Sciences
Classification: Likely benign for FUS-related condition. Last evaluated: 2026-06-29. Review status: criteria provided, single submitter. Criteria: ACMG Guidelines, 2015. Collection method: clinical testing. Allele origin: germline.
Comment: This variant is classified as likely benign based on ACMG/AMP sequence variant interpretation guidelines (Richards et al. 2015 PMID: 25741868, with internal and published modifications).

Labcorp Genetics (formerly Invitae), Labcorp
Classification: Likely benign for Tremor, hereditary essential, 4; Amyotrophic lateral sclerosis type 6. Last evaluated: 2025-12-08. Review status: criteria provided, single submitter. Criteria: Invitae Variant Classification Sherloc (09022015). Collection method: clinical testing. Allele origin: germline.

NM_004960.4(FUS):c.336-6C>A

Gene: FUS (FUS RNA binding protein; plus strand). Cytogenetic location: 16p11.2.
Variant type: single nucleotide variant.
Coding change: c.336-6C>A on transcript NM_004960.4 (MANE Select); 6 bases into the intron before coding-DNA position 336, C replaced by A.
Molecular consequence: intron variant.
Genome position (GRCh38, 1-based): chr16:31,184,203, C>A. VCF-style: chr16-31184203-C-A. GRCh37 (hg19) VCF-style: chr16-31195524-C-A.
Other names: c.336-6C>A (NM_001170937.1, NM_004960.3); c.333-6C>A (NM_001170634.1).
Identifiers: ClinVar variation 3762547 (VCV003762547.3).